The following is an entry in ClinVar:

NM_000070.3(CAPN3):c.1030-1G>C

Gene: CAPN3 (calpain 3; plus strand). Cytogenetic location: 15q15.1.
Variant type: single nucleotide variant.
Coding change: c.1030-1G>C on transcript NM_000070.3 (MANE Select); the canonical splice acceptor site of the intron before coding-DNA position 1030, G replaced by C.
Molecular consequence: splice acceptor variant.
Genome position (GRCh38, 1-based): chr15:42,394,255, G>C. VCF-style: chr15-42394255-G-C. GRCh37 (hg19) VCF-style: chr15-42686453-G-C.
Other names: c.1030-1G>C (NM_024344.2); c.886-1G>C (NM_173087.2).
Identifiers: ClinVar variation 4081604 (VCV004081604.1).

ClinVar aggregate classification (germline): Likely pathogenic (1 of 4 stars; one submission).

Conditions:
Autosomal recessive limb-girdle muscular dystrophy type 2A (LGMDR1). Also called: LEYDEN-MOEBIUS MUSCULAR DYSTROPHY; MUSCULAR DYSTROPHY, PELVOFEMORAL; Limb-girdle muscular dystrophy, type 2A; Calpainopathy; Muscular dystrophy, limb-girdle, type 2A, Amish. Identifiers: Orphanet 267, MedGen C1869123, MONDO:0009675, OMIM 253600. Disease mechanism: loss of function.

Submission:

Myriad Genetics, Inc.
Classification: Likely pathogenic for Autosomal recessive limb-girdle muscular dystrophy type 2A. Last evaluated: 2025-03-06. Review status: criteria provided, single submitter. Criteria: Myriad Autosomal Dominant, Autosomal Recessive and X-Linked Classification Criteria (2023). Collection method: clinical testing. Allele origin: unknown.
Comment: NM_000070.2(CAPN3):c.1030-1G>C is a variant in a canonical splice site classified as likely pathogenic in the context of calpainopathy. c.1030-1G>C has not been observed in cases with relevant disease. Relevant functional assessments of this variant are not available in the literature. c.1030-1G>C has not been observed in referenced population frequency databases. In summary, NM_000070.2(CAPN3):c.1030-1G>C is a variant in a canonical splice site that has been observed more frequently in cases with the relevant disease than in healthy populations. Please note: this variant was assessed in the context of healthy population screening.